The following is an entry in ClinVar:

NM_013382.7(POMT2):c.1007-32G>A

Gene: POMT2 (protein O-mannosyltransferase 2; minus strand). Cytogenetic location: 14q24.3.
Variant type: single nucleotide variant.
Coding change: c.1007-32G>A on transcript NM_013382.7 (MANE Select); 32 bases into the intron before coding-DNA position 1007, G replaced by A.
Molecular consequence: intron variant.
Genome position (GRCh38, 1-based): chr14:77,296,305, C>T on the plus strand (G>A on the coding strand, the complement: POMT2 is on the minus strand). VCF-style: chr14-77296305-C-T. GRCh37 (hg19) VCF-style: chr14-77762648-C-T.
Identifiers: ClinVar variation 260288 (VCV000260288.7), dbSNP rs79509556, ClinGen allele CA7286017.

ClinVar aggregate classification (germline): Benign/Likely benign. Review status: criteria provided, multiple submitters, no conflicts (2 of 4 stars). 4 submissions from 4 submitters: Benign (2); Likely benign (2). Last evaluated 2018-06-14.

Allele frequency attached by ClinVar (database versions not stated): 1000 Genomes Project 30x 0.00874; 1000 Genomes Project 0.00899; TOPMed 0.01933; gnomAD 0.01981 and 0.02044; gnomAD exomes 0.02004 and 0.03027; ESP Exome Variant Server 0.02493; ExAC 0.02631.
gnomAD v4.1: 43,203 of 1,483,100 alleles (2.9%); highest among the groups gnomAD compares: Non-Finnish European, 3.5%; 806 homozygotes.

Submissions (4):

GeneDx
Classification: Likely benign. Last evaluated: 2018-06-14. Review status: criteria provided, single submitter. Criteria: GeneDx Variant Classification (06012015). Collection method: clinical testing. Allele origin: germline. Affected: yes.
Comment: This variant is considered likely benign or benign based on one or more of the following criteria: it is a conservative change, it occurs at a poorly conserved position in the protein, it is predicted to be benign by multiple in silico algorithms, and/or has population frequency not consistent with disease.

Eurofins Ntd Llc (ga)
Classification: Benign. Last evaluated: 2016-11-29. Review status: criteria provided, single submitter. Criteria: EGL Classification Definitions 2015. Collection method: clinical testing. Allele origin: germline. Observed: 1 variant allele, 1 heterozygote.

Breakthrough Genomics
Classification: Likely benign. Review status: criteria provided, single submitter. Criteria: ACMG Guidelines, 2015. Collection method: not provided. Allele origin: germline. Inheritance: Autosomal recessive inheritance. Affected: yes.

PreventionGenetics, part of Exact Sciences
Classification: Benign. Review status: criteria provided, single submitter. Criteria: ACMG Guidelines, 2015. Collection method: clinical testing. Allele origin: germline.